The following is an entry in ClinVar:

NM_025114.4(CEP290):c.3634C>A (p.Leu1212Met)

Gene: CEP290 (centrosomal protein 290; minus strand). Cytogenetic location: 12q21.32.
Variant type: single nucleotide variant.
Coding change: c.3634C>A on transcript NM_025114.4 (MANE Select); coding-DNA position 3634, C replaced by A.
Protein change: p.Leu1212Met; replaces leucine 1212 with methionine.
Molecular consequence: missense variant.
Genome position (GRCh38, 1-based): chr12:88,089,427, G>T on the plus strand (C>A on the coding strand, the complement: CEP290 is on the minus strand). VCF-style: chr12-88089427-G-T. GRCh37 (hg19) VCF-style: chr12-88483204-G-T.
Other names: short protein forms L1212M.
Identifiers: ClinVar variation 2634166 (VCV002634166.2), dbSNP rs199844833, ClinGen allele CA6712104.

ClinVar aggregate classification (germline): Uncertain significance (1 of 4 stars; one submission).

Conditions:
CEP290-related disorder. Also called: CEP290-related disorders; CEP290-related condition. Identifiers: MedGen CN239314.

Allele frequency attached by ClinVar (database versions not stated): gnomAD 0.00001; ExAC 0.00004; TOPMed 0.00006; ESP Exome Variant Server 0.00008.
gnomAD v4.1: 94 of 1,604,858 alleles (0.0059%); highest among the groups gnomAD compares: Non-Finnish European, 0.0077%; no homozygotes.

Submission:

PreventionGenetics, part of Exact Sciences
Classification: Uncertain significance for CEP290-related condition. Last evaluated: 2026-01-06. Review status: criteria provided, single submitter. Criteria: ACMG Guidelines, 2015. Collection method: clinical testing. Allele origin: germline.
Comment: The CEP290 c.3634C>A variant is predicted to result in the amino acid substitution p.Leu1212Met. To our knowledge, this variant has not been reported in the literature. This variant is reported in 0.0029% of alleles in individuals of European (Non-Finnish) descent in gnomAD. At this time, the clinical significance of this variant is uncertain due to the absence of conclusive functional and genetic evidence.